The following is an entry in ClinVar:

NM_001009944.3(PKD1):c.1529G>A (p.Arg510Gln)

Gene: PKD1 (polycystin 1, transient receptor potential channel interacting; minus strand). Cytogenetic location: 16p13.3.
Variant type: single nucleotide variant.
Coding change: c.1529G>A on transcript NM_001009944.3 (MANE Select); coding-DNA position 1529, G replaced by A.
Protein change: p.Arg510Gln; replaces arginine 510 with glutamine.
Molecular consequence: missense variant.
Genome position (GRCh38, 1-based): chr16:2,116,910, C>T on the plus strand (G>A on the coding strand, the complement: PKD1 is on the minus strand). VCF-style: chr16-2116910-C-T. GRCh37 (hg19) VCF-style: chr16-2166911-C-T.
Other names: c.1529G>A, p.Arg510Gln (NM_000296.4); short protein forms R510Q.
Identifiers: ClinVar variation 3579750 (VCV003579750.2).

ClinVar aggregate classification (germline): Uncertain significance. Review status: criteria provided, multiple submitters, no conflicts (2 of 4 stars). 2 submissions from 2 submitters: Uncertain significance (2). Last evaluated 2024-07-24.

Conditions:
Polycystic kidney disease, adult type (PKD1). Also called: Polycystic Kidney Disease 1, Autosomal Dominant; Polycystic kidney disease 1; Polycystic kidney disease 1, severe; Polycystic Kidney, Autosomal Dominant; POLYCYSTIC KIDNEY DISEASE, ADULT, TYPE I; POLYCYSTIC KIDNEY DISEASE 1 WITH OR WITHOUT POLYCYSTIC LIVER DISEASE. Identifiers: MedGen C3149841, MONDO:0008263, OMIM 173900.

gnomAD v4.1: 1 of 1,520,110 alleles (0.000066%); highest among the groups gnomAD compares: Non-Finnish European, 0.000088%; no homozygotes.

Submissions (2):

GeneDx
Classification: Uncertain significance. Last evaluated: 2024-07-24. Review status: criteria provided, single submitter. Criteria: GeneDx Variant Classification Process June 2021. Collection method: clinical testing. Allele origin: germline. Affected: yes.
Comment: Not observed at significant frequency in large population cohorts (gnomAD); In silico analysis indicates that this missense variant does not alter protein structure/function; Has not been previously published as pathogenic or benign to our knowledge

Fulgent Genetics
Classification: Uncertain significance for Polycystic kidney disease, adult type. Last evaluated: 2024-06-01. Review status: criteria provided, single submitter. Criteria: ACMG Guidelines, 2015. Collection method: clinical testing. Allele origin: germline.